The following is an entry in ClinVar:

ClinVar aggregate classification (germline): Uncertain significance (1 of 4 stars; one submission).

Conditions:
Microcephaly-intellectual disability-sensorineural hearing loss-epilepsy-abnormal muscle tone syndrome (NEDHSB). Also called: NEURODEVELOPMENTAL DISORDER WITH HEARING LOSS, SEIZURES, AND BRAIN ABNORMALITIES. Identifiers: Orphanet 457351, MedGen C4225276, MONDO:0014698, OMIM 616577.

Allele frequency attached by ClinVar (database versions not stated): TOPMed 0.00006; ExAC 0.00007; gnomAD 0.00007; gnomAD exomes 0.00007 and 0.00018.
gnomAD v4.1: 259 of 1,612,240 alleles (0.016%); highest among the groups gnomAD compares: Non-Finnish European, 0.022%; no homozygotes.

Submission:

Labcorp Genetics (formerly Invitae), Labcorp
Classification: Uncertain significance for Microcephaly-intellectual disability-sensorineural hearing loss-epilepsy-abnormal muscle tone syndrome. Last evaluated: 2022-07-05. Review status: criteria provided, single submitter. Criteria: Invitae Variant Classification Sherloc (09022015). Collection method: clinical testing. Allele origin: germline.
Comment: This sequence change replaces glycine, which is neutral and non-polar, with arginine, which is basic and polar, at codon 93 of the SPATA5 protein (p.Gly93Arg). This variant is present in population databases (rs758521022, gnomAD 0.02%). This variant has not been reported in the literature in individuals affected with SPATA5-related conditions. ClinVar contains an entry for this variant (Variation ID: 581111). Advanced modeling of protein sequence and biophysical properties (such as structural, functional, and spatial information, amino acid conservation, physicochemical variation, residue mobility, and thermodynamic stability) performed at Invitae indicates that this missense variant is expected to disrupt SPATA5 protein function. In summary, the available evidence is currently insufficient to determine the role of this variant in disease. Therefore, it has been classified as a Variant of Uncertain Significance.

NM_145207.3(AFG2A):c.277G>A (p.Gly93Arg)

Gene: AFG2A (AFG2 AAA ATPase homolog A; plus strand). Cytogenetic location: 4q28.1.
Variant type: single nucleotide variant.
Coding change: c.277G>A on transcript NM_145207.3 (MANE Select); coding-DNA position 277, G replaced by A.
Protein change: p.Gly93Arg; replaces glycine 93 with arginine.
Molecular consequence: missense variant.
Genome position (GRCh38, 1-based): chr4:122,927,747, G>A. VCF-style: chr4-122927747-G-A. GRCh37 (hg19) VCF-style: chr4-123848902-G-A.
Other names: c.274G>A, p.Gly92Arg (NM_001317799.2, NM_001345856.2); short protein forms G93R, G92R.
Identifiers: ClinVar variation 581111 (VCV000581111.5), dbSNP rs758521022, ClinGen allele CA3070170.
Genomic context (GRCh38, chr4:122,927,747, plus strand): 5'-AACACTATGAAGTCTGCAAATATATGTATAGGTCGACCAGTGTTGCTTACTAGTTTGAAC[G>A]GAAAGCAAGAGGTAAGAGTCTTTTTCATTTCCTTAGTTTAGAAATACAAACTGAACATTG-3'
Protein context (NP_660208.2, residues 83-103): GRPVLLTSLN[Gly93Arg]KQEVYTAWPM